The following is an entry in ClinVar:

NM_005120.3(MED12):c.101A>G (p.Asp34Gly)

Gene: MED12 (mediator complex subunit 12; plus strand). Cytogenetic location: Xq13.1.
Variant type: single nucleotide variant.
Coding change: c.101A>G on transcript NM_005120.3 (MANE Select); coding-DNA position 101, A replaced by G.
Protein change: p.Asp34Gly; replaces aspartic acid 34 with glycine.
Molecular consequence: missense variant.
Genome position (GRCh38, 1-based): chrX:71,119,374, A>G. VCF-style: chrX-71119374-A-G. GRCh37 (hg19) VCF-style: chrX-70339224-A-G.
Other names: NC_000023.10:g.70339224A>G; c.101A>G (NM_005120.2); short protein forms D34G.
Identifiers: ClinVar variation 3337274 (VCV003337274.3).

ClinVar aggregate classification (germline): Uncertain significance. Review status: criteria provided, multiple submitters, no conflicts (2 of 4 stars). 2 submissions from 2 submitters: Uncertain significance (2). Last evaluated 2026-03-14.

Submissions (3):

GeneDx
Classification: Uncertain significance. Last evaluated: 2026-03-14. Review status: criteria provided, single submitter. Criteria: GeneDx Variant Classification Process June 2021. Collection method: clinical testing. Allele origin: germline.
Comment: Not observed at significant frequency in large population cohorts (gnomAD); In silico analysis supports that this missense variant has a deleterious effect on protein structure/function; In silico analysis is inconclusive as to whether the variant alters gene splicing. In the absence of RNA/functional studies, the actual effect of this sequence change is unknown.; Has not been previously published as pathogenic or benign to our knowledge

Clinical Genetics Laboratory, Skane University Hospital Lund
Classification: Uncertain significance. Last evaluated: 2022-08-16. Review status: criteria provided, single submitter. Criteria: ACMG Guidelines, 2015. Collection method: clinical testing. Allele origin: germline. Affected: yes.

Dr. Peter K. Rogan Lab, Western University
No classification provided (evidence only). Condition: Nonpapillary renal cell carcinoma. Review status: no classification provided. Collection method: in vitro. Allele origin: not applicable. Functional consequence: retained intron. Not counted in ClinVar's aggregate classification.